The following is an entry in ClinVar:

NM_001378414.1(HDAC4):c.2946C>A (p.Asp982Glu)

Gene: HDAC4 (histone deacetylase 4; minus strand). Cytogenetic location: 2q37.3.
Variant type: single nucleotide variant.
Coding change: c.2946C>A on transcript NM_001378414.1 (MANE Select); coding-DNA position 2946, C replaced by A.
Protein change: p.Asp982Glu; replaces aspartic acid 982 with glutamic acid.
Molecular consequence: missense variant.
Genome position (GRCh38, 1-based): chr2:239,066,779, G>T on the plus strand (C>A on the coding strand, the complement: HDAC4 is on the minus strand). VCF-style: chr2-239066779-G-T. GRCh37 (hg19) VCF-style: chr2-239988475-G-T.
Other names: c.2946C>A, p.Asp982Glu (NM_001378415.1); c.2931C>A, p.Asp977Glu (NM_001378416.1, NM_001378417.1, NM_006037.4); short protein forms D977E, D982E.
Identifiers: ClinVar variation 3369374 (VCV003369374.1).

ClinVar aggregate classification (germline): Uncertain significance (1 of 4 stars; one submission).

gnomAD v4.1: 1 of 1,613,882 alleles (0.000062%); highest among the groups gnomAD compares: Admixed American, 0.0017%; no homozygotes.

Submission:

GeneDx
Classification: Uncertain significance. Last evaluated: 2024-02-22. Review status: criteria provided, single submitter. Criteria: GeneDx Variant Classification Process June 2021. Collection method: clinical testing. Allele origin: germline. Affected: yes.
Comment: In silico analysis supports that this missense variant has a deleterious effect on protein structure/function; Has not been previously published as pathogenic or benign to our knowledge